The following is an entry in ClinVar:

NM_178425.4(HDAC9):c.1467+8249G>A

Gene: HDAC9 (histone deacetylase 9; plus strand). Cytogenetic location: 7p21.1.
Variant type: single nucleotide variant.
Coding change: c.1467+8249G>A on transcript NM_178425.4 (MANE Select); 8249 bases into the intron after coding-DNA position 1467, G replaced by A.
Molecular consequence: intron variant. On other transcripts: missense variant (1).
Genome position (GRCh38, 1-based): chr7:18,656,932, G>A. VCF-style: chr7-18656932-G-A. GRCh37 (hg19) VCF-style: chr7-18696555-G-A.
Other names: c.1484G>A, p.Arg495His (NM_001321878.2); c.1392+8249G>A (NM_001321868.2); c.1452+8249G>A (NM_001204144.3, NM_001321890.2); c.1533+8249G>A (NM_001321869.2); c.1401+8249G>A (NM_001321872.2); c.1395+8249G>A (NM_001321873.2); c.1407+8249G>A (NM_001321871.2); c.1524+8249G>A (NM_001321870.2); and 15 more; short protein forms R495H.
Identifiers: ClinVar variation 3388815 (VCV003388815.14).

ClinVar aggregate classification (germline): Benign (1 of 4 stars; one submission).

gnomAD v4.1: 61 of 151,640 alleles (0.04%); highest among the groups gnomAD compares: Admixed American, 0.37%; 1 homozygote.

Submission:

CeGaT Center for Human Genetics Tuebingen
Classification: Benign. Last evaluated: 2024-11-01. Review status: criteria provided, single submitter. Criteria: CeGaT Center For Human Genetics Tuebingen Variant Classification Criteria Version 2. Collection method: clinical testing. Allele origin: germline. Affected: yes. Observed: 1 variant allele.
Comment: HDAC9: BS1, BS2